The following is an entry in ClinVar:

NM_001029883.3(PCARE):c.994G>A (p.Ala332Thr)

Gene: PCARE (photoreceptor cilium actin regulator; minus strand). Cytogenetic location: 2p23.2.
Variant type: single nucleotide variant.
Coding change: c.994G>A on transcript NM_001029883.3 (MANE Select); coding-DNA position 994, G replaced by A.
Protein change: p.Ala332Thr; replaces alanine 332 with threonine.
Molecular consequence: missense variant.
Genome position (GRCh38, 1-based): chr2:29,073,268, C>T on the plus strand (G>A on the coding strand, the complement: PCARE is on the minus strand). VCF-style: chr2-29073268-C-T. GRCh37 (hg19) VCF-style: chr2-29296134-C-T.
Other names: short protein forms A332T.
Identifiers: ClinVar variation 939329 (VCV000939329.9), dbSNP rs1667526187, ClinGen allele CA346481125.

ClinVar aggregate classification (germline): Uncertain significance (1 of 4 stars; one submission).

Allele frequency attached by ClinVar (database versions not stated): gnomAD exomes below 0.00001; TOPMed below 0.00001; gnomAD 0.00001.
gnomAD v4.1: 6 of 1,614,008 alleles (0.00037%); highest among the groups gnomAD compares: Non-Finnish European, 0.00051%; no homozygotes.

Submission:

Labcorp Genetics (formerly Invitae), Labcorp
Classification: Uncertain significance. Last evaluated: 2019-09-12. Review status: criteria provided, single submitter. Criteria: Invitae Variant Classification Sherloc (09022015). Collection method: clinical testing. Allele origin: germline.
Comment: In summary, the available evidence is currently insufficient to determine the role of this variant in disease. Therefore, it has been classified as a Variant of Uncertain Significance. Algorithms developed to predict the effect of missense changes on protein structure and function output the following: SIFT: "Tolerated"; PolyPhen-2: "Benign"; Align-GVGD: "Class C0". The threonine amino acid residue is found in multiple mammalian species, suggesting that this missense change does not adversely affect protein function. These predictions have not been confirmed by published functional studies and their clinical significance is uncertain. This variant has not been reported in the literature in individuals with PCARE-related conditions. This variant is not present in population databases (ExAC no frequency). This sequence change replaces alanine with threonine at codon 332 of the PCARE protein (p.Ala332Thr). The alanine residue is moderately conserved and there is a small physicochemical difference between alanine and threonine.